The following is an entry in ClinVar:

NM_178857.6(RP1L1):c.3009G>C (p.Leu1003=)

Gene: RP1L1 (RP1 like 1). Cytogenetic location: 8p23.1.
Variant type: single nucleotide variant.
Coding change: c.3009G>C on transcript NM_178857.6 (MANE Select); coding-DNA position 3009, G replaced by C.
Protein change: p.Leu1003=; no amino-acid change (leucine 1003 retained).
Molecular consequence: synonymous variant.
Genome position (GRCh38, 1-based): chr8:10,611,089, C>G on the plus strand (G>C on the coding strand, the complement: RP1L1 is on the minus strand). VCF-style: chr8-10611089-C-G. GRCh37 (hg19) VCF-style: chr8-10468599-C-G.
Identifiers: ClinVar variation 4985932 (VCV004985932.1).
Genomic context (GRCh38, chr8:10,611,089, plus strand): 5'-CTCTGGGTCCTGGCCGGGGTCCCCTTCCAGGGACTGCTGTCCCGCCTGAGCTGGCTCCCC[C>G]AGGCCTTCCAGAGAATGGTCATCCCCAGGGTCCACCTCGGGGCCTCTCAGGCCACCCCCA-3'
Protein context (NP_849188.4, residues 993-1013): DPGDDHSLEG[Leu1003=]GEPAQAGQQS

ClinVar aggregate classification (germline): Likely benign (1 of 4 stars; one submission).

Conditions:
RP1L1-related disorder. Also called: RP1L1-related condition.

gnomAD v4.1: 27 of 1,612,780 alleles (0.0017%); highest among the groups gnomAD compares: Non-Finnish European, 0.0022%; no homozygotes.

Submission:

PreventionGenetics, part of Exact Sciences
Classification: Likely benign for RP1L1-related condition. Last evaluated: 2025-11-26. Review status: criteria provided, single submitter. Criteria: ACMG Guidelines, 2015. Collection method: clinical testing. Allele origin: germline.
Comment: This variant is classified as likely benign based on ACMG/AMP sequence variant interpretation guidelines (Richards et al. 2015 PMID: 25741868, with internal and published modifications).